The following is an entry in ClinVar:

NM_004006.3(DMD):c.703C>G (p.Leu235Val)

Gene: DMD (dystrophin; minus strand). Cytogenetic location: Xp21.1.
Variant type: single nucleotide variant.
Coding change: c.703C>G on transcript NM_004006.3 (MANE Select); coding-DNA position 703, C replaced by G.
Protein change: p.Leu235Val; replaces leucine 235 with valine.
Molecular consequence: missense variant.
Genome position (GRCh38, 1-based): chrX:32,699,240, G>C on the plus strand (C>G on the coding strand, the complement: DMD is on the minus strand). VCF-style: chrX-32699240-G-C. GRCh37 (hg19) VCF-style: chrX-32717357-G-C.
Other names: c.679C>G, p.Leu227Val (NM_000109.4); c.691C>G, p.Leu231Val (NM_004009.3); c.334C>G, p.Leu112Val (NM_004010.3); short protein forms L231V, L112V, L227V, L235V.
Identifiers: ClinVar variation 1401202 (VCV001401202.6), dbSNP rs200177107, ClinGen allele CA412669071.

ClinVar aggregate classification (germline): Uncertain significance (1 of 4 stars; one submission).

Conditions:
Duchenne muscular dystrophy (DMD). Also called: MUSCULAR DYSTROPHY, PSEUDOHYPERTROPHIC PROGRESSIVE, DUCHENNE TYPE; Duchenne Muscular Dystrophy (DMD). Identifiers: Orphanet 98896, MedGen C0013264, MONDO:0010679, OMIM 310200.

Submission:

Labcorp Genetics (formerly Invitae), Labcorp
Classification: Uncertain significance for Duchenne muscular dystrophy. Last evaluated: 2025-09-03. Review status: criteria provided, single submitter. Criteria: Invitae Variant Classification Sherloc (09022015). Collection method: clinical testing. Allele origin: germline.
Comment: This sequence change replaces leucine, which is neutral and non-polar, with valine, which is neutral and non-polar, at codon 235 of the DMD protein (p.Leu235Val). This variant is not present in population databases (gnomAD no frequency). This variant has not been reported in the literature in individuals affected with DMD-related conditions. ClinVar contains an entry for this variant (Variation ID: 1401202). Invitae Evidence Modeling of protein sequence and biophysical properties (such as structural, functional, and spatial information, amino acid conservation, physicochemical variation, residue mobility, and thermodynamic stability) indicates that this missense variant is not expected to disrupt DMD protein function with a negative predictive value of 95%. In summary, the available evidence is currently insufficient to determine the role of this variant in disease. Therefore, it has been classified as a Variant of Uncertain Significance.